The following is an entry in ClinVar:

NM_005751.5(AKAP9):c.5947A>G (p.Met1983Val)

Gene: AKAP9 (A-kinase anchoring protein 9; plus strand). Cytogenetic location: 7q21.2.
Variant type: single nucleotide variant.
Coding change: c.5947A>G on transcript NM_005751.5 (MANE Select); coding-DNA position 5947, A replaced by G.
Protein change: p.Met1983Val; replaces methionine 1983 with valine.
Molecular consequence: missense variant.
Genome position (GRCh38, 1-based): chr7:92,062,456, A>G. VCF-style: chr7-92062456-A-G. GRCh37 (hg19) VCF-style: chr7-91691770-A-G.
Other names: c.592A>G, p.Met198Val (NM_001379277.1); c.5947A>G, p.Met1983Val (NM_147185.3); short protein forms M198V, M1983V.
Identifiers: ClinVar variation 1037042 (VCV001037042.9), dbSNP rs766060779, ClinGen allele CA368132223.

ClinVar aggregate classification (germline): Uncertain significance (1 of 4 stars; one submission).

Conditions:
Long QT syndrome (LQTS). Identifiers: MedGen C0023976, MeSH D008133, MONDO:0002442. Disease mechanism: loss of function. Inheritance: Various modes of inheritance.

Submission:

Labcorp Genetics (formerly Invitae), Labcorp
Classification: Uncertain significance for Long QT syndrome. Last evaluated: 2020-01-31. Review status: criteria provided, single submitter. Criteria: Invitae Variant Classification Sherloc (09022015). Collection method: clinical testing. Allele origin: germline.
Comment: In summary, the available evidence is currently insufficient to determine the role of this variant in disease. Therefore, it has been classified as a Variant of Uncertain Significance. This sequence change replaces methionine with valine at codon 1983 of the AKAP9 protein (p.Met1983Val). The methionine residue is moderately conserved and there is a small physicochemical difference between methionine and valine. This variant is not present in population databases (ExAC no frequency). This variant has not been reported in the literature in individuals with AKAP9-related conditions. Algorithms developed to predict the effect of missense changes on protein structure and function are either unavailable or do not agree on the potential impact of this missense change (SIFT: "Deleterious"; PolyPhen-2: "Benign"; Align-GVGD: "Class C0").